The following is an entry in ClinVar:

ClinVar aggregate classification (germline): Uncertain significance. Review status: criteria provided, multiple submitters, no conflicts (2 of 4 stars). 2 submissions from 2 submitters: Uncertain significance (2). Last evaluated 2026-09-04.

Conditions:
Inborn genetic diseases. Identifiers: MedGen C0950123, MeSH D030342.
Fanconi anemia (FA). Also called: Fanconi's anemia. Identifiers: Orphanet 84, MedGen C0015625, MeSH D005199, MONDO:0019391.

Submissions (2):

Ambry Genetics
Classification: Uncertain significance for Inborn genetic diseases. Last evaluated: 2026-09-04. Review status: criteria provided, single submitter. Criteria: Ambry Variant Classification Scheme 2023. Collection method: clinical testing. Allele origin: germline.
Comment: The p.C836F variant (also known as c.2507G>T), located in coding exon 14 of the FANCM gene, results from a G to T substitution at nucleotide position 2507. The cysteine at codon 836 is replaced by phenylalanine, an amino acid with highly dissimilar properties. This amino acid position is conserved. In addition, this alteration is predicted to be tolerated by in silico analysis. Based on the available evidence, the clinical significance of this variant remains unclear.

Labcorp Genetics (formerly Invitae), Labcorp
Classification: Uncertain significance for Fanconi anemia. Last evaluated: 2022-05-12. Review status: criteria provided, single submitter. Criteria: Invitae Variant Classification Sherloc (09022015). Collection method: clinical testing. Allele origin: germline.
Comment: This sequence change replaces cysteine, which is neutral and slightly polar, with phenylalanine, which is neutral and non-polar, at codon 836 of the FANCM protein (p.Cys836Phe). Algorithms developed to predict the effect of missense changes on protein structure and function (SIFT, PolyPhen-2, Align-GVGD) all suggest that this variant is likely to be tolerated. This variant has not been reported in the literature in individuals affected with FANCM-related conditions. This variant is not present in population databases (gnomAD no frequency). In summary, the available evidence is currently insufficient to determine the role of this variant in disease. Therefore, it has been classified as a Variant of Uncertain Significance.

NM_020937.4(FANCM):c.2507G>T (p.Cys836Phe)

Gene: FANCM (FA complementation group M; plus strand). Cytogenetic location: 14q21.2.
Variant type: single nucleotide variant.
Coding change: c.2507G>T on transcript NM_020937.4 (MANE Select); coding-DNA position 2507, G replaced by T.
Protein change: p.Cys836Phe; replaces cysteine 836 with phenylalanine.
Molecular consequence: missense variant.
Genome position (GRCh38, 1-based): chr14:45,175,261, G>T. VCF-style: chr14-45175261-G-T. GRCh37 (hg19) VCF-style: chr14-45644464-G-T.
Other names: c.2429G>T, p.Cys810Phe (NM_001308133.2); short protein forms C836F, C810F.
Identifiers: ClinVar variation 1934258 (VCV001934258.6), dbSNP rs1404595530, ClinGen allele CA389597998.